The following is an entry in ClinVar:

NM_000202.8(IDS):c.253G>C (p.Ala85Pro)

Gene: IDS (iduronate 2-sulfatase; minus strand). Cytogenetic location: Xq28.
Variant type: single nucleotide variant.
Coding change: c.253G>C on transcript NM_000202.8 (MANE Select); coding-DNA position 253, G replaced by C.
Protein change: p.Ala85Pro; replaces alanine 85 with proline.
Molecular consequence: missense variant. On other transcripts: non-coding transcript variant (1), intron variant (1).
Genome position (GRCh38, 1-based): chrX:149,503,477, C>G on the plus strand (G>C on the coding strand, the complement: IDS is on the minus strand). VCF-style: chrX-149503477-C-G. GRCh37 (hg19) VCF-style: chrX-148585007-C-G.
Other names: c.253G>C, p.Ala85Pro (NM_006123.5); c.15-32G>C (NM_001166550.4); short protein forms A85P.
Identifiers: ClinVar variation 3255631 (VCV003255631.2).

ClinVar aggregate classification (germline): Pathogenic (1 of 4 stars; one submission).

Conditions:
Mucopolysaccharidosis, MPS-II (MPS2). Also called: Hunter Syndrome; IDURONATE 2-SULFATASE DEFICIENCY; Mucopolysaccharidosis Type II; Mucopolysaccharidosis type 2; Attenuated MPS (subtype; formerly known as mild MPS II); Severe MPS II. Identifiers: Orphanet 580, Orphanet 79388, MedGen C0026705, MONDO:0010674, OMIM 309900.

Submission:

Laboratory of Diagnosis and Therapy of Lysosomal Disorders, University of Padova
Classification: Pathogenic for Mucopolysaccharidosis, MPS-II. Last evaluated: 2024-06-07. Review status: criteria provided, single submitter. Criteria: ACMG Guidelines, 2015. Collection method: literature only. Allele origin: germline. Affected: yes. Observed: 1 variant allele.
Comment: Absent from controls (or at low frequency) in gnomAD database (PM2_Moderate), Missense change at the same amino acid residue as a pathogenic variant (PM5_Moderate), Missense variant in a gene with a low rate of benign missense variation (PP2_Supporting), Multiple lines of computational evidence support a deleterious effect (PP3_Supporting), Patient’s phenotype or family history highly specific for the disease (PP4_Strong)

Classification method: ACMG Guidelines [PMID:25741868] with modifications

Literature cited by the submitters: PubMed 27246110.